The following is an entry in ClinVar:

ClinVar aggregate classification (germline): Likely pathogenic (1 of 4 stars; one submission).

Conditions:
Cerebellar ataxia, impaired intellectual development, and dysequilibrium syndrome 1. Also called: Cerebellar ataxia, intellectual disability, and dysequilibrium syndrome 1; CEREBELLAR ATAXIA AND MENTAL RETARDATION WITH OR WITHOUT QUADRUPEDAL LOCOMOTION 1; CEREBELLAR ATAXIA, CONGENITAL, AND MENTAL RETARDATION, AUTOSOMAL RECESSIVE; VLDLR Cerebellar Hypoplasia; Cerebellar hypoplasia and mental retardation with or without quadrupedal locomotion 1; Cerebellar ataxia, mental retardation, and dysequilibrium syndrome 1. Identifiers: Orphanet 1766, MedGen C4551552, MONDO:0024542, OMIM 224050.

Submission:

3billion
Classification: Likely pathogenic for Cerebellar ataxia, impaired intellectual development, and dysequilibrium syndrome 1. Last evaluated: 2022-01-03. Review status: criteria provided, single submitter. Criteria: ACMG Guidelines, 2015. Collection method: clinical testing. Allele origin: germline. Affected: yes. Observed: 1 homozygote.
Comment: Frameshift: predicted to result in a loss or disruption of normal protein function through nonsense-mediated decay (NMD) or protein truncation. Multiple pathogenic variants are reported downstream of the variant (PVS1_VS). It is not observed in the gnomAD v2.1.1 dataset (PM2_M). Therefore, this variant is classified as likely pathogenic according to the recommendation of ACMG/AMP guideline.

NM_003383.5(VLDLR):c.262dup (p.Arg88fs)

Gene: VLDLR (very low density lipoprotein receptor; plus strand). Cytogenetic location: 9p24.2.
Variant type: Duplication.
Coding change: c.262dup on transcript NM_003383.5 (MANE Select); coding-DNA position 262, one base duplicated (C; older notation c.262dupC).
Protein change: p.Arg88fs; shifts the reading frame from arginine 88.
Molecular consequence: frameshift variant.
Genome position (GRCh38, 1-based): chr9:2,639,918, C duplicated; the last of 2 consecutive C bases (chr9:2,639,917-2,639,918); duplicating either gives the same sequence. VCF-style (leftmost placement, unchanged base first): chr9-2639916-G-GC. GRCh37 (hg19) VCF-style: chr9-2639916-G-GC.
Other names: c.262dup, p.Arg88fs (NM_001018056.3, NM_001322225.2, NM_001322226.2); short protein forms R88fs.
Identifiers: ClinVar variation 1333255 (VCV001333255.1), dbSNP rs2130785730, ClinGen allele CA2573053164.